The following is an entry in ClinVar:

ClinVar aggregate classification (germline): Uncertain significance (1 of 4 stars; one submission).

Conditions:
Immunodeficiency 104. Also called: SCID, AUTOSOMAL RECESSIVE, T CELL-NEGATIVE, B CELL-POSITIVE, NK CELL-POSITIVE; IMMUNODEFICIENCY 104, SEVERE COMBINED; Severe combined immunodeficiency, autosomal recessive, T cell-negative, B cell-positive, NK cell-positive; Severe Combined Immune Deficiency, Autosomal Recessive, TCell -Negative, B Cell-Positive, NK Cell-Positive, IL7R-Related. Identifiers: MedGen C5676890, MONDO:0012163, OMIM 608971.

Submission:

Labcorp Genetics (formerly Invitae), Labcorp
Classification: Uncertain significance for Immunodeficiency 104. Last evaluated: 2019-05-17. Review status: criteria provided, single submitter. Criteria: Invitae Variant Classification Sherloc (09022015). Collection method: clinical testing. Allele origin: germline.
Comment: In summary, the available evidence is currently insufficient to determine the role of this variant in disease. Therefore, it has been classified as a Variant of Uncertain Significance. This sequence change replaces valine with isoleucine at codon 881 of the PTPRC protein (p.Val881Ile). The valine residue is highly conserved and there is a small physicochemical difference between valine and isoleucine. This variant is not present in population databases (ExAC no frequency). This variant has not been reported in the literature in individuals with PTPRC-related conditions. Algorithms developed to predict the effect of missense changes on protein structure and function output the following: SIFT: "Deleterious"; PolyPhen-2: "Benign"; Align-GVGD: "Class C25". The isoleucine amino acid residue is found in multiple mammalian species, suggesting that this missense change does not adversely affect protein function. These predictions have not been confirmed by published functional studies and their clinical significance is uncertain.

NM_002838.5(PTPRC):c.2641G>A (p.Val881Ile)

Gene: PTPRC (protein tyrosine phosphatase receptor type C; plus strand). Cytogenetic location: 1q32.1.
Variant type: single nucleotide variant.
Coding change: c.2641G>A on transcript NM_002838.5 (MANE Select); coding-DNA position 2641, G replaced by A.
Protein change: p.Val881Ile; replaces valine 881 with isoleucine.
Molecular consequence: missense variant.
Genome position (GRCh38, 1-based): chr1:198,742,311, G>A. VCF-style: chr1-198742311-G-A. GRCh37 (hg19) VCF-style: chr1-198711440-G-A.
Other names: c.2158G>A, p.Val720Ile (NM_080921.4); short protein forms V881I, V720I.
Identifiers: ClinVar variation 946344 (VCV000946344.10), dbSNP rs1654939978, ClinGen allele CA344051229.